The following is an entry in ClinVar:

ClinVar aggregate classification (germline): Pathogenic/Likely pathogenic. Review status: criteria provided, multiple submitters, no conflicts (2 of 4 stars). 9 submissions from 9 submitters: Pathogenic (3); Likely pathogenic (3). 3 of the submissions do not count toward it. Last evaluated 2025-02-12.

Conditions:
DYNC2H1-related disorder. Also called: DYNC2H1-related disorders; DYNC2H1-related condition. Identifiers: MedGen CN378770.
Jeune thoracic dystrophy. Also called: Jeune syndrome; Short-rib thoracic dysplasia; Infantile thoracic dystrophy; Thoracic pelvic phalangeal dystrophy; Jeune's syndrome; Chondroectodermal dysplasia-like syndrome. Identifiers: Orphanet 474, MedGen C0265275, MONDO:0018770.
Asphyxiating thoracic dystrophy 3. Also called: SHORT-RIB THORACIC DYSPLASIA 3 WITH OR WITHOUT POLYDACTYLY; POLYDACTYLY WITH NEONATAL CHONDRODYSTROPHY, TYPE I; SHORT-RIB THORACIC DYSPLASIA 3/6 WITH POLYDACTYLY, DIGENIC; Short rib polydactyly syndrome 2B; Saldino-Noonan Syndrome. Identifiers: Orphanet 474, Orphanet 93269, Orphanet 93270, Orphanet 93271, MedGen C0036069, MONDO:0013127, OMIM 613091.

Allele frequency attached by ClinVar (database versions not stated): gnomAD exomes below 0.00001; ExAC 0.00001; gnomAD 0.00001; TOPMed 0.00001.
gnomAD v4.1: 2 of 1,613,334 alleles (0.00012%); highest among the groups gnomAD compares: African/African-American, 0.0013%; no homozygotes.

Submissions (9):

GeneDx
Classification: Likely pathogenic. Last evaluated: 2025-02-12. Review status: criteria provided, single submitter. Criteria: GeneDx Variant Classification Process June 2021. Collection method: clinical testing. Allele origin: germline. Affected: yes.
Comment: Not observed at significant frequency in large population cohorts (gnomAD); In silico analysis supports that this missense variant has a deleterious effect on protein structure/function; This variant is associated with the following publications: (PMID: 31589614, 19361615, 23339108)

Labcorp Genetics (formerly Invitae), Labcorp
Classification: Pathogenic for Jeune thoracic dystrophy. Last evaluated: 2024-07-12. Review status: criteria provided, single submitter. Criteria: Invitae Variant Classification Sherloc (09022015). Collection method: clinical testing. Allele origin: germline.
Comment: This sequence change replaces arginine, which is basic and polar, with cysteine, which is neutral and slightly polar, at codon 587 of the DYNC2H1 protein (p.Arg587Cys). This variant is present in population databases (rs137853030, gnomAD 0.007%). This missense change has been observed in individuals with short-rib polydactyly syndrome/asphyxiating thoracic dystrophy (PMID: 19361615, 23339108). It has also been observed to segregate with disease in related individuals. ClinVar contains an entry for this variant (Variation ID: 6506). Advanced modeling of protein sequence and biophysical properties (such as structural, functional, and spatial information, amino acid conservation, physicochemical variation, residue mobility, and thermodynamic stability) performed at Invitae indicates that this missense variant is expected to disrupt DYNC2H1 protein function with a positive predictive value of 95%. For these reasons, this variant has been classified as Pathogenic.

Blueprint Genetics
Classification: Pathogenic for DYNC2H1-related disorders. Last evaluated: 2023-11-23. Review status: criteria provided, single submitter. Criteria: ACMG Guidelines, 2015. Collection method: clinical testing. Allele origin: germline. Affected: yes. Observed: 1 variant allele.

Women's Health and Genetics/Laboratory Corporation of America, LabCorp
Classification: Pathogenic for Asphyxiating thoracic dystrophy 3. Last evaluated: 2023-06-27. Review status: criteria provided, single submitter. Criteria: LabCorp Variant Classification Summary - May 2015. Collection method: clinical testing. Allele origin: germline.
Comment: Variant summary: DYNC2H1 c.1759C>T (p.Arg587Cys) results in a non-conservative amino acid change located in the tail domain (IPR013594) of the encoded protein sequence. Five of five in-silico tools predict a damaging effect of the variant on protein function. The variant allele was found at a frequency of 4e-06 in 248368 control chromosomes (gnomAD). The available data on variant occurrences in the general population are insufficient to allow any conclusion about variant significance. c.1759C>T has been reported in the literature in both compound heterozygous and homozygous individuals affected with Short-rib thoracic dysplasia (e.g., Merrill_2009, Baujat_2013), and the variant was found to segregate with disease in related individuals. These data indicate that the variant is very likely to be associated with disease. At least one publication describes experimental evidence evaluating an impact on protein function, reporting findings consistent with the variant causing a defect in cytoskeletal microtubule architecture (e.g., Merrill_2009). The following publications have been ascertained in the context of this evaluation (PMID: 23339108, 19361615). Three submitters have reported clinical-significance assessments for this variant to ClinVar after 2014, and classified the variant as pathogenic (n = 2) or likely pathogenic (n = 1). Based on the evidence outlined above, the variant was classified as pathogenic.

Revvity Omics, Revvity
Classification: Likely pathogenic for Asphyxiating thoracic dystrophy 3. Last evaluated: 2019-07-26. Review status: criteria provided, single submitter. Criteria: ACMG Guidelines, 2015. Collection method: clinical testing. Allele origin: germline.

Juno Genomics, Hangzhou Juno Genomics, Inc
Classification: Likely pathogenic for Asphyxiating thoracic dystrophy 3. Review status: criteria provided, single submitter. Criteria: ACMG Guidelines, 2015. Collection method: clinical testing. Allele origin: germline. Affected: yes.
Comment: Absent from controls (or at extremely low frequency if recessive) in Genome Aggregation Database, Exome Sequencing Project, 1000 Genomes Project, or Exome Aggregation Consortium.;For recessive disorders, detected in trans with a pathogenic variant.;Patient's phenotype or family history is highly specific for a disease with a single genetic etiology.;Co-segregation with disease in multiple affected family members in a gene definitively known to cause the disease.

Dan Cohn Lab, University Of California Los Angeles
Classification: Pathogenic for Asphyxiating thoracic dystrophy 3. Last evaluated: 2017-06-01. Review status: no assertion criteria provided. Collection method: research. Allele origin: paternal, unknown. Affected: yes. Not counted in ClinVar's aggregate classification.

OMIM
Classification: Pathogenic for SHORT-RIB THORACIC DYSPLASIA 3 WITH OR WITHOUT POLYDACTYLY. Last evaluated: 2009-04-01. Review status: no assertion criteria provided. Collection method: literature only. Allele origin: germline. Not counted in ClinVar's aggregate classification.

University of Washington Center for Mendelian Genomics, University of Washington
Classification: Likely pathogenic for Asphyxiating thoracic dystrophy 3. Review status: no assertion criteria provided. Collection method: research. Allele origin: inherited. Affected: yes. Not counted in ClinVar's aggregate classification.

Literature cited by the submitters: PubMed 19361615 (cited by 3 submitters); PubMed 23339108 (cited by Labcorp Genetics (formerly Invitae), Labcorp and Women's Health and Genetics/Laboratory Corporation of America, LabCorp); PubMed 29068549 (cited by Dan Cohn Lab, University Of California Los Angeles and University of Washington Center for Mendelian Genomics, University of Washington).

NM_001377.3(DYNC2H1):c.1759C>T (p.Arg587Cys)

Gene: DYNC2H1 (dynein cytoplasmic 2 heavy chain 1; plus strand). Cytogenetic location: 11q22.3.
Variant type: single nucleotide variant.
Coding change: c.1759C>T on transcript NM_001377.3 (MANE Select); coding-DNA position 1759, C replaced by T.
Protein change: p.Arg587Cys; replaces arginine 587 with cysteine.
Molecular consequence: missense variant.
Genome position (GRCh38, 1-based): chr11:103,125,197, C>T. VCF-style: chr11-103125197-C-T. GRCh37 (hg19) VCF-style: chr11-102995926-C-T.
Other names: c.1759C>T, p.Arg587Cys (NM_001080463.2); short protein forms R587C.
Identifiers: ClinVar variation 6506 (VCV000006506.19), dbSNP rs137853030, ClinGen allele CA210505.